The following is an entry in ClinVar:

ClinVar aggregate classification (germline): Likely benign (1 of 4 stars; one submission).

Conditions:
Periventricular nodular heterotopia 6 (PVNH6). Identifiers: Orphanet 2149, MedGen C3809872, MONDO:0014240, OMIM 615544.

gnomAD v4.1: 1 of 1,614,224 alleles (0.000062%); highest among the groups gnomAD compares: Non-Finnish European, 0.000085%; no homozygotes.

Submission:

Centre for Medical Genetics,  Mumbai
Classification: Likely benign for Periventricular nodular heterotopia 6. Last evaluated: 2026-03-04. Review status: criteria provided, single submitter. Criteria: ACMG Guidelines, 2015. Collection method: provider interpretation. Allele origin: germline. Inheritance: Autosomal dominant inheritance. Affected: no. Observed: 1 variant allele, 1 heterozygote.
Comment: The variant satisfies PM2 criteria; Extremely low frequency in gnomAD population databases. The variant satisfies BP4 criteria; For a missense or a splice region variant, computational prediction tools unanimously support a benign effect on the gene. However, the variant satisfies BS2 criteria; present in heterozygous state in an individual that clinically does not have Periventricular nodular heterotopia 6

Literature cited by the submitters: PubMed 24056535.

NM_018341.3(ERMARD):c.1469T>A (p.Met490Lys)

Gene: ERMARD (ER membrane associated RNA degradation; plus strand). Cytogenetic location: 6q27.
Variant type: single nucleotide variant.
Coding change: c.1469T>A on transcript NM_018341.3 (MANE Select); coding-DNA position 1469, T replaced by A.
Protein change: p.Met490Lys; replaces methionine 490 with lysine.
Molecular consequence: missense variant.
Genome position (GRCh38, 1-based): chr6:169,776,014, T>A. VCF-style: chr6-169776014-T-A. GRCh37 (hg19) VCF-style: chr6-170176110-T-A.
Other names: c.1469T>A, p.Met490Lys (NM_001278531.2, NM_001278533.2); c.1091T>A, p.Met364Lys (NM_001278532.2); c.1061T>A, p.Met354Lys (NM_001410957.1); short protein forms M354K, M364K, M490K.
Identifiers: ClinVar variation 4814243 (VCV004814243.1).